The following is an entry in ClinVar:

NM_000237.3(LPL):c.*1416T>C

Gene: LPL (lipoprotein lipase; plus strand). Cytogenetic location: 8p21.3.
Variant type: single nucleotide variant.
Coding change: c.*1416T>C on transcript NM_000237.3 (MANE Select); 1416 bases downstream of the stop codon, T replaced by C.
Molecular consequence: 3 prime UTR variant.
Genome position (GRCh38, 1-based): chr8:19,966,726, T>C. VCF-style: chr8-19966726-T-C. GRCh37 (hg19) VCF-style: chr8-19824237-T-C.
Identifiers: ClinVar variation 362445 (VCV000362445.5), dbSNP rs58998793, ClinGen allele CA10627413.
Genomic context (GRCh38, chr8:19,966,726, plus strand): 5'-CGGAAGGGAAAACAGTCGATCAAGGGATGTATTGGAACATGTCGGAGTAGAAATTGTTCC[T>C]GATGTGCCAGAACTTCGACCCTTTCTCTGAGAGAGATGATCGTGCCTATAAATAGTAGGA-3'

ClinVar aggregate classification (germline): Benign (1 of 4 stars; one submission).

Conditions:
Hyperlipoproteinemia, type I. Also called: Lipoprotein Lipase Deficiency; Lipase D deficiency; Familial hyperlipo-proteinemia type 1; Hyperlipemia essential familial; Familial Lipoprotein Lipase Deficiency; Hyperlipoproteinemia type 1. Identifiers: Orphanet 309015, Orphanet 444490, MedGen C0023817, MONDO:0009387, OMIM 238600. Disease mechanism: loss of function.

Allele frequency attached by ClinVar (database versions not stated): 1000 Genomes Project 0.01917; gnomAD 0.02153 and 0.02343; 1000 Genomes Project 30x 0.02155; TOPMed 0.02445.

Submission:

Illumina Laboratory Services, Illumina
Classification: Benign for Hyperlipoproteinemia, type I. Last evaluated: 2018-01-12. Review status: criteria provided, single submitter. Criteria: ICSL Variant Classification Criteria 13 December 2019. Collection method: clinical testing. Allele origin: germline.
Comment: This variant was observed in the ICSL laboratory as part of a predisposition screen in an ostensibly healthy population. It had not been previously curated by ICSL or reported in the Human Gene Mutation Database (HGMD: prior to June 1st, 2018), and was therefore a candidate for classification through an automated scoring system. Utilizing variant allele frequency, disease prevalence and penetrance estimates, and inheritance mode, an automated score was calculated to assess if this variant is too frequent to cause the disease. Based on the score and internal cut-off values, a variant classified as benign is not then subjected to further curation. The score for this variant resulted in a classification of benign for this disease.